The following is an entry in ClinVar:

NM_000400.4(ERCC2):c.1214C>T (p.Thr405Ile)

Gene: ERCC2 (ERCC excision repair 2, TFIIH core complex helicase subunit; minus strand). Cytogenetic location: 19q13.32.
Variant type: single nucleotide variant.
Coding change: c.1214C>T on transcript NM_000400.4 (MANE Select); coding-DNA position 1214, C replaced by T.
Protein change: p.Thr405Ile; replaces threonine 405 with isoleucine.
Molecular consequence: missense variant.
Genome position (GRCh38, 1-based): chr19:45,361,547, G>A on the plus strand (C>T on the coding strand, the complement: ERCC2 is on the minus strand). VCF-style: chr19-45361547-G-A. GRCh37 (hg19) VCF-style: chr19-45864805-G-A.
Other names: c.1142C>T, p.Thr381Ile (NM_001130867.2); short protein forms T381I, T405I.
Identifiers: ClinVar variation 3231625 (VCV003231625.1), dbSNP rs752740153, ClinGen allele CA9513475.

ClinVar aggregate classification (germline): Uncertain significance (1 of 4 stars; one submission).

Conditions:
Inborn genetic diseases. Identifiers: MedGen C0950123, MeSH D030342.

Allele frequency attached by ClinVar (database versions not stated): gnomAD 0.00001; gnomAD exomes 0.00001; TOPMed 0.00001; ExAC 0.00002.
gnomAD v4.1: 23 of 1,613,658 alleles (0.0014%); highest among the groups gnomAD compares: Non-Finnish European, 0.0019%; no homozygotes.

Submission:

Ambry Genetics
Classification: Uncertain significance for Inborn genetic diseases. Last evaluated: 2022-11-30. Review status: criteria provided, single submitter. Criteria: Ambry Variant Classification Scheme 2023. Collection method: clinical testing. Allele origin: germline.
Comment: The p.T405I variant (also known as c.1214C>T), located in coding exon 12 of the ERCC2 gene, results from a C to T substitution at nucleotide position 1214. The threonine at codon 405 is replaced by isoleucine, an amino acid with similar properties. This amino acid position is conserved. In addition, this alteration is predicted to be deleterious by in silico analysis. Since supporting evidence is limited at this time, the clinical significance of this alteration remains unclear.